The following is an entry in ClinVar:

NM_006440.5(TXNRD2):c.375-19T>G

Gene: TXNRD2 (thioredoxin reductase 2; minus strand). Cytogenetic location: 22q11.21.
Variant type: single nucleotide variant.
Coding change: c.375-19T>G on transcript NM_006440.5 (MANE Select); 19 bases into the intron before coding-DNA position 375, T replaced by G.
Molecular consequence: intron variant.
Genome position (GRCh38, 1-based): chr22:19,918,236, A>C on the plus strand (T>G on the coding strand, the complement: TXNRD2 is on the minus strand). VCF-style: chr22-19918236-A-C. GRCh37 (hg19) VCF-style: chr22-19905759-A-C.
Other names: c.372-19T>G (NM_001352300.2); c.87-19T>G (NM_001352302.2); c.285-19T>G (NM_001352301.2); c.375-19T>G (NM_001282512.3); c.279-19T>G (NM_001352303.2).
Identifiers: ClinVar variation 386316 (VCV000386316.13), dbSNP rs147120537, ClinGen allele CA10104230.
Genomic context (GRCh38, chr22:19,918,236, plus strand): 5'-AAGGATTTCACGTGATTTTGAACAGCTTCTGCCATCTTCCTCCTGTGAAGATACGAAACA[A>C]AATGTAAAATCCACAACACAGGTGTTAGCTGCAGGGCCTCACGATGGACTATTAGATTCA-3'

ClinVar aggregate classification (germline): Benign/Likely benign. Review status: criteria provided, multiple submitters, no conflicts (2 of 4 stars). 5 submissions from 5 submitters: Benign (1); Likely benign (4). Last evaluated 2026-01-24.

Conditions:
Primary dilated cardiomyopathy (DCM). Also called: Dilated Cardiomyopathy. Identifiers: Orphanet 217604, MedGen C0007193, MeSH D002311, MONDO:0005021, HP:0001644. Inheritance: Various modes of inheritance.
Glucocorticoid deficiency 5. Identifiers: MedGen C4540522, MONDO:0040502, OMIM 617825.

Allele frequency attached by ClinVar (database versions not stated): gnomAD exomes 0.00050 and 0.00115; ExAC 0.00143; ESP Exome Variant Server 0.00395; gnomAD 0.00493 and 0.00527; TOPMed 0.00549; 1000 Genomes Project 0.00619; 1000 Genomes Project 30x 0.00640.

Submissions (7):

Labcorp Genetics (formerly Invitae), Labcorp
Classification: Benign for Primary dilated cardiomyopathy. Last evaluated: 2026-01-24. Review status: criteria provided, single submitter. Criteria: Invitae Variant Classification Sherloc (09022015). Collection method: clinical testing. Allele origin: germline.

Blueprint Genetics
Classification: Likely benign. Last evaluated: 2024-11-11. Review status: criteria provided, single submitter. Criteria: ACMG Guidelines, 2015. Collection method: clinical testing. Allele origin: germline.

Fulgent Genetics
Classification: Likely benign for Glucocorticoid deficiency 5. Last evaluated: 2022-05-02. Review status: criteria provided, single submitter. Criteria: ACMG Guidelines, 2015. Collection method: clinical testing. Allele origin: unknown.

GeneDx
Classification: Likely benign. Last evaluated: 2017-11-06. Review status: criteria provided, single submitter. Criteria: GeneDx Variant Classification (06012015). Collection method: clinical testing. Allele origin: germline. Affected: yes.
Comment: This variant is considered likely benign or benign based on one or more of the following criteria: it is a conservative change, it occurs at a poorly conserved position in the protein, it is predicted to be benign by multiple in silico algorithms, and/or has population frequency not consistent with disease.

Breakthrough Genomics
Classification: Likely benign. Review status: criteria provided, single submitter. Criteria: ACMG Guidelines, 2015. Collection method: not provided. Allele origin: germline. Inheritance: Autosomal recessive inheritance. Affected: yes.

Dr. Peter K. Rogan Lab, Western University
No classification provided (evidence only). Condition: Familial cancer of breast. Review status: no classification provided. Collection method: in vitro. Allele origin: not applicable. Functional consequence: retained intron. Not counted in ClinVar's aggregate classification.

Dr. Peter K. Rogan Lab, Western University
No classification provided (evidence only). Condition: Cervical cancer. Review status: no classification provided. Collection method: in vitro. Allele origin: not applicable. Functional consequence: retained intron. Not counted in ClinVar's aggregate classification.